The following is an entry in ClinVar:

NM_000083.3(CLCN1):c.180G>C (p.Gln60His)

Gene: CLCN1 (chloride voltage-gated channel 1; plus strand). Cytogenetic location: 7q34.
Variant type: single nucleotide variant.
Coding change: c.180G>C on transcript NM_000083.3 (MANE Select); coding-DNA position 180, G replaced by C.
Protein change: p.Gln60His; replaces glutamine 60 with histidine.
Molecular consequence: missense variant. On other transcripts: non-coding transcript variant (1).
Genome position (GRCh38, 1-based): chr7:143,316,392, G>C. VCF-style: chr7-143316392-G-C. GRCh37 (hg19) VCF-style: chr7-143013485-G-C.
Other names: short protein forms Q60H.
Identifiers: ClinVar variation 4076781 (VCV004076781.1).

ClinVar aggregate classification (germline): Uncertain significance (1 of 4 stars; one submission).

Submission:

GeneDx
Classification: Uncertain significance. Last evaluated: 2025-02-20. Review status: criteria provided, single submitter. Criteria: GeneDx Variant Classification Process June 2021. Collection method: clinical testing. Allele origin: germline. Affected: yes.
Comment: Not observed at significant frequency in large population cohorts (gnomAD); In silico analysis indicates that this missense variant does not alter protein structure/function; Has not been previously published as pathogenic or benign to our knowledge; In silico analysis is inconclusive as to whether the variant alters gene splicing. In the absence of RNA/functional studies, the actual effect of this sequence change is unknown.